The following is an entry in ClinVar:

NM_012470.4(TNPO3):c.2674C>A (p.His892Asn)

Gene: TNPO3 (transportin 3; minus strand). Cytogenetic location: 7q32.1.
Variant type: single nucleotide variant.
Coding change: c.2674C>A on transcript NM_012470.4 (MANE Select); coding-DNA position 2674, C replaced by A.
Protein change: p.His892Asn; replaces histidine 892 with asparagine.
Molecular consequence: missense variant. On other transcripts: non-coding transcript variant (18).
Genome position (GRCh38, 1-based): chr7:128,967,317, G>T on the plus strand (C>A on the coding strand, the complement: TNPO3 is on the minus strand). VCF-style: chr7-128967317-G-T. GRCh37 (hg19) VCF-style: chr7-128607371-G-T.
Other names: c.2482C>A, p.His828Asn (NM_001191028.3, NM_001382223.1); c.2776C>A, p.His926Asn (NM_001382216.1); c.2755C>A, p.His919Asn (NM_001382217.1); c.2674C>A, p.His892Asn (NM_001382218.1); c.2566C>A, p.His856Asn (NM_001382219.1); c.2533C>A, p.His845Asn (NM_001382220.1); c.2530C>A, p.His844Asn (NM_001382221.1); c.2527C>A, p.His843Asn (NM_001382222.1); short protein forms H892N, H828N, H843N, H844N, H845N, H856N, H919N, H926N.
Identifiers: ClinVar variation 836846 (VCV000836846.13), dbSNP rs1798015777, ClinGen allele CA369249673.

ClinVar aggregate classification (germline): Uncertain significance (1 of 4 stars; one submission).

Conditions:
Autosomal dominant limb-girdle muscular dystrophy type 1F (LGMDD2). Also called: Limb-girdle muscular dystrophy, type 1F; MUSCULAR DYSTROPHY, LIMB-GIRDLE, AUTOSOMAL DOMINANT 2. Identifiers: Orphanet 55595, MedGen C1842062, MONDO:0012034, OMIM 608423.

Allele frequency attached by ClinVar (database versions not stated): gnomAD exomes below 0.00001.
gnomAD v4.1: 2 of 1,613,902 alleles (0.00012%); highest among the groups gnomAD compares: Non-Finnish European, 0.00017%; no homozygotes.

Submission:

Labcorp Genetics (formerly Invitae), Labcorp
Classification: Uncertain significance for Autosomal dominant limb-girdle muscular dystrophy type 1F. Last evaluated: 2022-07-12. Review status: criteria provided, single submitter. Criteria: Invitae Variant Classification Sherloc (09022015). Collection method: clinical testing. Allele origin: germline.
Comment: This sequence change replaces histidine, which is basic and polar, with asparagine, which is neutral and polar, at codon 892 of the TNPO3 protein (p.His892Asn). This variant is not present in population databases (gnomAD no frequency). This variant has not been reported in the literature in individuals affected with TNPO3-related conditions. ClinVar contains an entry for this variant (Variation ID: 836846). Algorithms developed to predict the effect of missense changes on protein structure and function (SIFT, PolyPhen-2, Align-GVGD) all suggest that this variant is likely to be tolerated. In summary, the available evidence is currently insufficient to determine the role of this variant in disease. Therefore, it has been classified as a Variant of Uncertain Significance.